The following is an entry in ClinVar:

ClinVar aggregate classification (germline): Uncertain significance (1 of 4 stars; one submission).

gnomAD v4.1: 1 of 1,613,234 alleles (0.000062%); highest among the groups gnomAD compares: Non-Finnish European, 0.000085%; no homozygotes.

Submission:

Labcorp Genetics (formerly Invitae), Labcorp
Classification: Uncertain significance. Last evaluated: 2024-11-22. Review status: criteria provided, single submitter. Criteria: Invitae Variant Classification Sherloc (09022015). Collection method: clinical testing. Allele origin: germline.
Comment: This sequence change replaces threonine, which is neutral and polar, with serine, which is neutral and polar, at codon 243 of the FH protein (p.Thr243Ser). This variant is not present in population databases (gnomAD no frequency). This variant has not been reported in the literature in individuals affected with FH-related conditions. Invitae Evidence Modeling of protein sequence and biophysical properties (such as structural, functional, and spatial information, amino acid conservation, physicochemical variation, residue mobility, and thermodynamic stability) has been performed for this missense variant. However, the output from this modeling did not meet the statistical confidence thresholds required to predict the impact of this variant on FH protein function. In summary, the available evidence is currently insufficient to determine the role of this variant in disease. Therefore, it has been classified as a Variant of Uncertain Significance.

NM_000143.4(FH):c.728C>G (p.Thr243Ser)

Gene: FH (fumarate hydratase; minus strand). Cytogenetic location: 1q43.
Variant type: single nucleotide variant.
Coding change: c.728C>G on transcript NM_000143.4 (MANE Select); coding-DNA position 728, C replaced by G.
Protein change: p.Thr243Ser; replaces threonine 243 with serine.
Molecular consequence: missense variant.
Genome position (GRCh38, 1-based): chr1:241,508,613, G>C on the plus strand (C>G on the coding strand, the complement: FH is on the minus strand). VCF-style: chr1-241508613-G-C. GRCh37 (hg19) VCF-style: chr1-241671913-G-C.
Other names: short protein forms T243S.
Identifiers: ClinVar variation 3645635 (VCV003645635.2).